The following is an entry in ClinVar:

NM_001287.6(CLCN7):c.1101A>C (p.Lys367Asn)

Gene: CLCN7 (Cl-/H+ antiporter 7; minus strand). Cytogenetic location: 16p13.3.
Variant type: single nucleotide variant.
Coding change: c.1101A>C on transcript NM_001287.6 (MANE Select); coding-DNA position 1101, A replaced by C.
Protein change: p.Lys367Asn; replaces lysine 367 with asparagine.
Molecular consequence: missense variant.
Genome position (GRCh38, 1-based): chr16:1,454,463, T>G on the plus strand (A>C on the coding strand, the complement: CLCN7 is on the minus strand). VCF-style: chr16-1454463-T-G. GRCh37 (hg19) VCF-style: chr16-1504464-T-G.
Other names: c.1029A>C, p.Lys343Asn (NM_001114331.3); short protein forms K367N, K343N.
Identifiers: ClinVar variation 3684903 (VCV003684903.2).

ClinVar aggregate classification (germline): Uncertain significance (1 of 4 stars; one submission).

gnomAD v4.1: 1 of 1,613,306 alleles (0.000062%); highest among the groups gnomAD compares: Non-Finnish European, 0.000085%; no homozygotes.

Submission:

Labcorp Genetics (formerly Invitae), Labcorp
Classification: Uncertain significance. Last evaluated: 2025-05-12. Review status: criteria provided, single submitter. Criteria: Invitae Variant Classification Sherloc (09022015). Collection method: clinical testing. Allele origin: germline.
Comment: This sequence change replaces lysine, which is basic and polar, with asparagine, which is neutral and polar, at codon 367 of the CLCN7 protein (p.Lys367Asn). This variant is not present in population databases (gnomAD no frequency). This variant has not been reported in the literature in individuals affected with CLCN7-related conditions. ClinVar contains an entry for this variant (Variation ID: 3684903). An algorithm developed to predict the effect of missense changes on protein structure and function (PolyPhen-2) suggests that this variant is likely to be tolerated. In summary, the available evidence is currently insufficient to determine the role of this variant in disease. Therefore, it has been classified as a Variant of Uncertain Significance.